The following is an entry in ClinVar:

ClinVar aggregate classification (germline): Benign/Likely benign. Review status: criteria provided, multiple submitters, no conflicts (2 of 4 stars). 19 submissions from 19 submitters: Benign (8); Likely benign (6). 5 of the submissions do not count toward it. Last evaluated 2026-09-01.

Conditions:
AXIN2-related disorder.
Hereditary cancer-predisposing syndrome. Also called: Neoplastic Syndromes, Hereditary; Tumor predisposition; Hereditary neoplastic syndrome; Hereditary Cancer Syndrome. Identifiers: Orphanet 140162, MedGen C0027672, MeSH D009386, MONDO:0015356.
Oligodontia-cancer predisposition syndrome. Also called: TOOTH AGENESIS-COLORECTAL CANCER SYNDROME. Identifiers: Orphanet 300576, MedGen C1837750, MONDO:0012075, OMIM 608615. Disease mechanism: loss of function.

Allele frequency attached by ClinVar (database versions not stated): gnomAD exomes 0.00063 and 0.00080; ESP Exome Variant Server 0.00069; ExAC 0.00072; gnomAD 0.00094 and 0.00098; TOPMed 0.00135; 1000 Genomes Project 0.00140; 1000 Genomes Project 30x 0.00156.
gnomAD v4.1: 1,090 of 1,614,212 alleles (0.068%); highest among the groups gnomAD compares: Middle Eastern, 0.26%; 1 homozygote.

Submissions (19):

CeGaT Center for Human Genetics Tuebingen
Classification: Likely benign. Last evaluated: 2026-09-01. Review status: criteria provided, single submitter. Criteria: CeGaT Center For Human Genetics Tuebingen Variant Classification Criteria Version 2. Collection method: clinical testing. Allele origin: germline. Affected: yes. Observed: 22 variant alleles.
Comment: AXIN2: BP4, BP7

Labcorp Genetics (formerly Invitae), Labcorp
Classification: Benign for Oligodontia-cancer predisposition syndrome. Last evaluated: 2026-02-03. Review status: criteria provided, single submitter. Criteria: Invitae Variant Classification Sherloc (09022015). Collection method: clinical testing. Allele origin: germline.

Quest Diagnostics Nichols Institute San Juan Capistrano
Classification: Benign. Last evaluated: 2025-04-28. Review status: criteria provided, single submitter. Criteria: Quest Diagnostics criteria. Collection method: clinical testing. Allele origin: unknown.

Center for Genomic Medicine, Rigshospitalet, Copenhagen University Hospital
Classification: Likely benign. Last evaluated: 2025-03-04. Review status: criteria provided, single submitter. Criteria: ACMG Guidelines, 2015. Collection method: clinical testing. Allele origin: germline.

Laboratory of Genetics, Children's Clinical University Hospital Latvia
Classification: Likely benign. Last evaluated: 2025-02-16. Review status: criteria provided, single submitter. Criteria: ACMG Guidelines, 2015. Collection method: clinical testing. Allele origin: germline. Affected: yes.

Blueprint Genetics
Classification: Likely benign. Last evaluated: 2024-11-27. Review status: criteria provided, single submitter. Criteria: ACMG Guidelines, 2015. Collection method: clinical testing. Allele origin: germline.

Myriad Genetics, Inc.
Classification: Benign for Oligodontia-cancer predisposition syndrome. Last evaluated: 2024-07-01. Review status: criteria provided, single submitter. Criteria: Myriad Autosomal Dominant, Autosomal Recessive and X-Linked Classification Criteria (2023). Collection method: clinical testing. Allele origin: unknown.
Comment: This variant is considered benign. This variant is a silent/synonymous amino acid change and it is not expected to impact splicing.

KCCC/NGS Laboratory, Kuwait Cancer Control Center
Classification: Benign for Oligodontia-cancer predisposition syndrome. Last evaluated: 2023-07-07. Review status: criteria provided, single submitter. Criteria: ACMG Guidelines, 2015. Collection method: clinical testing. Allele origin: germline. Affected: yes.

Sema4
Classification: Benign for Hereditary cancer-predisposing syndrome. Last evaluated: 2020-11-25. Review status: criteria provided, single submitter. Criteria: Sema4 Curation Guidelines. Collection method: curation. Allele origin: germline.

Women's Health and Genetics/Laboratory Corporation of America, LabCorp
Classification: Benign. Last evaluated: 2019-02-25. Review status: criteria provided, single submitter. Criteria: LabCorp Variant Classification Summary - May 2015. Collection method: clinical testing. Allele origin: germline.
Comment: Variant summary: The variant, AXIN2 c.1101C>T alters a non-conserved nucleotide resulting in a synonymous change. 5/5 computational tools predict no significant impact on normal splicing. However, these predictions have yet to be confirmed by functional studies. The variant allele was found at a frequency of 0.00078 in 276804 control chromosomes. The observed variant frequency is approximately 5 fold of the estimated maximal expected allele frequency for a pathogenic variant in AXIN2 causing Colorectal Cancer phenotype (0.00014), strongly suggesting that the variant is benign. To our knowledge, no occurrence of c.1101C>T in individuals affected with Colorectal Cancer and no experimental evidence demonstrating its impact on protein function have been reported. Two clinical diagnostic laboratories have submitted clinical-significance assessments for this variant to ClinVar after 2014 without evidence for independent evaluation and classified the variant as benign or likely benign. Based on the evidence outlined above, the variant was classified as benign.

Ambry Genetics
Classification: Likely benign for Hereditary cancer-predisposing syndrome. Last evaluated: 2018-11-29. Review status: criteria provided, single submitter. Criteria: Ambry Variant Classification Scheme 2023. Collection method: clinical testing. Allele origin: germline.

Illumina Laboratory Services, Illumina
Classification: Benign for Oligodontia-cancer predisposition syndrome. Last evaluated: 2018-01-13. Review status: criteria provided, single submitter. Criteria: ICSL Variant Classification Criteria 13 December 2019. Collection method: clinical testing. Allele origin: germline.
Comment: This variant was observed in the ICSL laboratory as part of a predisposition screen in an ostensibly healthy population. It had not been previously curated by ICSL or reported in the Human Gene Mutation Database (HGMD: prior to June 1st, 2018), and was therefore a candidate for classification through an automated scoring system. Utilizing variant allele frequency, disease prevalence and penetrance estimates, and inheritance mode, an automated score was calculated to assess if this variant is too frequent to cause the disease. Based on the score and internal cut-off values, a variant classified as benign is not then subjected to further curation. The score for this variant resulted in a classification of benign for this disease.

GeneDx
Classification: Benign. Last evaluated: 2014-03-18. Review status: criteria provided, single submitter. Criteria: GeneDx Variant Classification (06012015). Collection method: clinical testing. Allele origin: germline. Affected: yes.
Comment: This variant is considered likely benign or benign based on one or more of the following criteria: it is a conservative change, it occurs at a poorly conserved position in the protein, it is predicted to be benign by multiple in silico algorithms, and/or has population frequency not consistent with disease.

Breakthrough Genomics
Classification: Likely benign. Review status: criteria provided, single submitter. Criteria: ACMG Guidelines, 2015. Collection method: not provided. Allele origin: germline. Inheritance: Autosomal dominant inheritance. Affected: yes.

PreventionGenetics, part of Exact Sciences
Classification: Benign for AXIN2-related condition. Last evaluated: 2019-02-19. Review status: no assertion criteria provided. Collection method: clinical testing. Allele origin: germline. Not counted in ClinVar's aggregate classification.
Comment: This variant is classified as benign based on ACMG/AMP sequence variant interpretation guidelines (Richards et al. 2015 PMID: 25741868, with internal and published modifications).

Clinical Genetics DNA and cytogenetics Diagnostics Lab, Erasmus MC, Erasmus Medical Center
Classification: Likely benign. Review status: no assertion criteria provided. Collection method: clinical testing. Allele origin: germline. Affected: yes. Study: VKGL Data-share Consensus. Not counted in ClinVar's aggregate classification.

Clinical Genetics, Academic Medical Center
Classification: Likely benign. Review status: no assertion criteria provided. Collection method: clinical testing. Allele origin: germline. Affected: yes. Study: VKGL Data-share Consensus. Not counted in ClinVar's aggregate classification.

Genome Diagnostics Laboratory, Amsterdam University Medical Center
Classification: Likely benign. Review status: no assertion criteria provided. Collection method: clinical testing. Allele origin: germline. Affected: yes. Study: VKGL Data-share Consensus. Not counted in ClinVar's aggregate classification.

Laboratory of Diagnostic Genome Analysis, Leiden University Medical Center (LUMC)
Classification: Likely benign. Review status: no assertion criteria provided. Collection method: clinical testing. Allele origin: germline. Affected: yes. Study: VKGL Data-share Consensus. Not counted in ClinVar's aggregate classification.

NM_004655.4(AXIN2):c.1101C>T (p.Pro367=)

Gene: AXIN2 (axin 2; minus strand). Cytogenetic location: 17q24.1.
Variant type: single nucleotide variant.
Coding change: c.1101C>T on transcript NM_004655.4 (MANE Select); coding-DNA position 1101, C replaced by T.
Protein change: p.Pro367=; no amino-acid change (proline 367 retained).
Molecular consequence: synonymous variant.
Genome position (GRCh38, 1-based): chr17:65,538,302, G>A on the plus strand (C>T on the coding strand, the complement: AXIN2 is on the minus strand). VCF-style: chr17-65538302-G-A. GRCh37 (hg19) VCF-style: chr17-63534420-G-A.
Other names: p.P367P:CCC>CCT; c.1101C>T (LRG_296t1); c.1101C>T, p.Pro367= (NM_001363813.1).
Identifiers: ClinVar variation 136476 (VCV000136476.79), dbSNP rs141697521, ClinGen allele CA289620.